The following is an entry in ClinVar:

ClinVar aggregate classification (germline): Benign (0 of 4 stars; one submission).

Conditions:
CHEK1-related disorder. Also called: CHEK1-related condition.

Allele frequency attached by ClinVar (database versions not stated): ExAC 0.05935; gnomAD exomes 0.06529; 1000 Genomes Project 0.11102; gnomAD 0.11177; 1000 Genomes Project 30x 0.11852; TOPMed 0.12019.
gnomAD v4.1: 53,601 of 702,562 alleles (7.6%); highest among the groups gnomAD compares: African/African-American, 24%; 3,088 homozygotes.

Submission:

PreventionGenetics, part of Exact Sciences
Classification: Benign for CHEK1-related condition. Last evaluated: 2019-10-30. Review status: no assertion criteria provided. Collection method: clinical testing. Allele origin: germline.
Comment: This variant is classified as benign based on ACMG/AMP sequence variant interpretation guidelines (Richards et al. 2015 PMID: 25741868, with internal and published modifications).

NM_001114122.3(CHEK1):c.-182C>G

Genes: CHEK1 (checkpoint kinase 1; plus strand), LOC118567325 (uncharacterized LOC118567325; minus strand). Cytogenetic location: 11q24.2.
Variant type: single nucleotide variant.
Coding change: c.-182C>G on transcript NM_001114122.3 (MANE Select); 182 bases upstream of the start codon, C replaced by G.
Molecular consequence: 5 prime UTR variant. On other transcripts: non-coding transcript variant (2).
Genome position (GRCh38, 1-based): chr11:125,625,851, C>G. VCF-style: chr11-125625851-C-G. GRCh37 (hg19) VCF-style: chr11-125495746-C-G.
Other names: c.-182C>G (NM_001114121.2, NM_001244846.1); c.-261C>G (NM_001330427.2).
Identifiers: ClinVar variation 3055541 (VCV003055541.2), dbSNP rs76045215, ClinGen allele CA6349261.